The following is an entry in ClinVar:

ClinVar aggregate classification (germline): Benign/Likely benign. Review status: criteria provided, multiple submitters, no conflicts (2 of 4 stars). 2 submissions from 2 submitters: Benign (1); Likely benign (1). Last evaluated 2025-07-18.

Allele frequency attached by ClinVar (database versions not stated): gnomAD 0.00004; gnomAD exomes 0.00008; ExAC 0.00013.
gnomAD v4.1: 127 of 1,614,050 alleles (0.0079%); highest among the groups gnomAD compares: South Asian, 0.083%; 3 homozygotes.

Submissions (2):

Labcorp Genetics (formerly Invitae), Labcorp
Classification: Benign. Last evaluated: 2025-07-18. Review status: criteria provided, single submitter. Criteria: Invitae Variant Classification Sherloc (09022015). Collection method: clinical testing. Allele origin: germline.

CeGaT Center for Human Genetics Tuebingen
Classification: Likely benign. Last evaluated: 2023-10-01. Review status: criteria provided, single submitter. Criteria: CeGaT Center For Human Genetics Tuebingen Variant Classification Criteria Version 2. Collection method: clinical testing. Allele origin: germline. Affected: yes. Observed: 1 variant allele.
Comment: PTPN23: BP4, BP7

NM_015466.4(PTPN23):c.1569C>T (p.Val523=)

Gene: PTPN23 (protein tyrosine phosphatase non-receptor type 23; plus strand). Cytogenetic location: 3p21.31.
Variant type: single nucleotide variant.
Coding change: c.1569C>T on transcript NM_015466.4 (MANE Select); coding-DNA position 1569, C replaced by T.
Protein change: p.Val523=; no amino-acid change (valine 523 retained).
Molecular consequence: synonymous variant.
Genome position (GRCh38, 1-based): chr3:47,409,014, C>T. VCF-style: chr3-47409014-C-T. GRCh37 (hg19) VCF-style: chr3-47450504-C-T.
Other names: c.1191C>T, p.Val397= (NM_001304482.2).
Identifiers: ClinVar variation 2189115 (VCV002189115.28), dbSNP rs542502219, ClinGen allele CA2365758.